The following is an entry in ClinVar:

ClinVar aggregate classification (germline): Uncertain significance (1 of 4 stars; one submission).

Conditions:
Charcot-Marie-Tooth disease axonal type 2O. Also called: CHARCOT-MARIE-TOOTH NEUROPATHY, AXONAL, TYPE 2O; CHARCOT-MARIE-TOOTH DISEASE, AXONAL, AUTOSOMAL DOMINANT, TYPE 2O; Charcot-Marie-Tooth Neuropathy Type 2O; Charcot-Marie-Tooth disease, axonal, type 20. Identifiers: Orphanet 284232, MedGen C3280220, MONDO:0013644, OMIM 614228.

Submission:

Labcorp Genetics (formerly Invitae), Labcorp
Classification: Uncertain significance for Charcot-Marie-Tooth disease axonal type 2O. Last evaluated: 2023-12-02. Review status: criteria provided, single submitter. Criteria: Invitae Variant Classification Sherloc (09022015). Collection method: clinical testing. Allele origin: germline.
Comment: This sequence change replaces histidine, which is basic and polar, with tyrosine, which is neutral and polar, at codon 473 of the DYNC1H1 protein (p.His473Tyr). This variant is not present in population databases (gnomAD no frequency). This variant has not been reported in the literature in individuals affected with DYNC1H1-related conditions. Advanced modeling of protein sequence and biophysical properties (such as structural, functional, and spatial information, amino acid conservation, physicochemical variation, residue mobility, and thermodynamic stability) performed at Invitae indicates that this missense variant is expected to disrupt DYNC1H1 protein function with a positive predictive value of 95%. In summary, the available evidence is currently insufficient to determine the role of this variant in disease. Therefore, it has been classified as a Variant of Uncertain Significance.

NM_001376.5(DYNC1H1):c.1417C>T (p.His473Tyr)

Gene: DYNC1H1 (dynein cytoplasmic 1 heavy chain 1; plus strand). Cytogenetic location: 14q32.31.
Variant type: single nucleotide variant.
Coding change: c.1417C>T on transcript NM_001376.5 (MANE Select); coding-DNA position 1417, C replaced by T.
Protein change: p.His473Tyr; replaces histidine 473 with tyrosine.
Molecular consequence: missense variant.
Genome position (GRCh38, 1-based): chr14:101,983,565, C>T. VCF-style: chr14-101983565-C-T. GRCh37 (hg19) VCF-style: chr14-102449902-C-T.
Other names: short protein forms H473Y.
Identifiers: ClinVar variation 2700525 (VCV002700525.3), dbSNP rs2503686731, ClinGen allele CA391016111.